The following is an entry in ClinVar:

NM_001033.5(RRM1):c.1589A>G (p.Gln530Arg)

Gene: RRM1 (ribonucleotide reductase catalytic subunit M1; plus strand). Cytogenetic location: 11p15.4.
Variant type: single nucleotide variant.
Coding change: c.1589A>G on transcript NM_001033.5 (MANE Select); coding-DNA position 1589, A replaced by G.
Protein change: p.Gln530Arg; replaces glutamine 530 with arginine.
Molecular consequence: missense variant.
Genome position (GRCh38, 1-based): chr11:4,127,153, A>G. VCF-style: chr11-4127153-A-G. GRCh37 (hg19) VCF-style: chr11-4148383-A-G.
Other names: c.1298A>G, p.Gln433Arg (NM_001318064.1); c.575A>G, p.Gln192Arg (NM_001318065.1); c.923A>G, p.Gln308Arg (NM_001330193.1); short protein forms Q308R, Q433R, Q530R, Q192R.
Identifiers: ClinVar variation 4979276 (VCV004979276.1).

ClinVar aggregate classification (germline): Uncertain significance (1 of 4 stars; one submission).

Conditions:
RRM1-related condition.

Submission:

PreventionGenetics, part of Exact Sciences
Classification: Uncertain significance for RRM1-related condition. Last evaluated: 2026-06-15. Review status: criteria provided, single submitter. Criteria: ACMG Guidelines, 2015. Collection method: clinical testing. Allele origin: germline.
Comment: The RRM1 c.1589A>G variant is predicted to result in the amino acid substitution p.Gln530Arg. To our knowledge, this variant has not been reported in the literature or in a large population database (gnomAD), indicating this variant is rare. At this time, the clinical significance of this variant is uncertain due to the absence of conclusive functional and genetic evidence.